The following is an entry in ClinVar:

NM_177438.3(DICER1):c.3372C>T (p.His1124=)

Gene: DICER1 (dicer 1, ribonuclease III; minus strand). Cytogenetic location: 14q32.13.
Variant type: single nucleotide variant.
Coding change: c.3372C>T on transcript NM_177438.3 (MANE Select); coding-DNA position 3372, C replaced by T.
Protein change: p.His1124=; no amino-acid change (histidine 1124 retained).
Molecular consequence: synonymous variant.
Genome position (GRCh38, 1-based): chr14:95,104,024, G>A on the plus strand (C>T on the coding strand, the complement: DICER1 is on the minus strand). VCF-style: chr14-95104024-G-A. GRCh37 (hg19) VCF-style: chr14-95570361-G-A.
Other names: c.3372C>T, p.His1124= (NM_001195573.1, NM_001271282.3, NM_001291628.2 and 1 more transcripts).
Identifiers: ClinVar variation 823678 (VCV000823678.8), dbSNP rs1595367503, ClinGen allele CA487844654.

ClinVar aggregate classification (germline): Benign/Likely benign. Review status: criteria provided, multiple submitters, no conflicts (2 of 4 stars). 3 submissions from 3 submitters: Benign (1); Likely benign (2). Last evaluated 2026-08-19.

Conditions:
DICER1-related tumor predisposition. Also called: DICER1 syndrome; DICER1-related pleuropulmonary blastoma cancer predisposition syndrome. Identifiers: Orphanet 284343, MedGen C3839822, MONDO:0100216.
Hereditary cancer-predisposing syndrome. Also called: Hereditary neoplastic syndrome; Neoplastic Syndromes, Hereditary; Tumor predisposition; Hereditary Cancer Syndrome. Identifiers: Orphanet 140162, MedGen C0027672, MeSH D009386, MONDO:0015356.

Allele frequency attached by ClinVar (database versions not stated): gnomAD exomes below 0.00001.
gnomAD v4.1: 2 of 1,614,106 alleles (0.00012%); highest among the groups gnomAD compares: East Asian, 0.0022%; no homozygotes.

Submissions (3):

Myriad Genetics, Inc.
Classification: Benign for DICER1-related tumor predisposition. Last evaluated: 2026-08-19. Review status: criteria provided, single submitter. Criteria: Myriad Autosomal Dominant, Autosomal Recessive and X-Linked Classification Criteria (2023). Collection method: clinical testing. Allele origin: unknown.
Comment: This variant is considered benign. This variant is a silent/synonymous amino acid change and it is not expected to impact splicing.

Labcorp Genetics (formerly Invitae), Labcorp
Classification: Likely benign for DICER1-related tumor predisposition. Last evaluated: 2024-05-15. Review status: criteria provided, single submitter. Criteria: Invitae Variant Classification Sherloc (09022015). Collection method: clinical testing. Allele origin: germline.

Ambry Genetics
Classification: Likely benign for Hereditary cancer-predisposing syndrome. Last evaluated: 2018-03-25. Review status: criteria provided, single submitter. Criteria: Ambry Variant Classification Scheme 2023. Collection method: clinical testing. Allele origin: germline.